The following is an entry in ClinVar:

ClinVar aggregate classification (germline): Pathogenic (1 of 4 stars; one submission).

Submission:

GeneDx
Classification: Pathogenic. Last evaluated: 2024-10-17. Review status: criteria provided, single submitter. Criteria: GeneDx Variant Classification Process June 2021. Collection method: clinical testing. Allele origin: germline. Affected: yes.
Comment: Canonical splice site variant predicted to result in a null allele in a gene for which loss of function is a known mechanism of disease; Not observed at significant frequency in large population cohorts (gnomAD); Has not been previously published as pathogenic or benign to our knowledge

NM_001348323.3(TRIP12):c.4995+2T>C

Gene: TRIP12 (thyroid hormone receptor interactor 12; minus strand). Cytogenetic location: 2q36.3.
Variant type: single nucleotide variant.
Coding change: c.4995+2T>C on transcript NM_001348323.3 (MANE Select); the canonical splice donor site of the intron after coding-DNA position 4995, T replaced by C.
Molecular consequence: splice donor variant.
Genome position (GRCh38, 1-based): chr2:229,787,503, A>G on the plus strand (T>C on the coding strand, the complement: TRIP12 is on the minus strand). VCF-style: chr2-229787503-A-G. GRCh37 (hg19) VCF-style: chr2-230652219-A-G.
Other names: c.4995+2T>C (NM_001348327.2, NM_001348325.2, NM_001348322.1 and 2 more transcripts); c.4998+2T>C (NM_001348330.2, NM_001348328.1, NM_001348329.2); c.3960+2T>C (NM_001284216.2); c.4770+2T>C (NM_004238.3); c.4773+2T>C (NM_001348331.1); c.4854+2T>C (NM_001348317.1, NM_001348318.2); c.4869+2T>C (NM_001284215.2, NM_001348316.2); c.4893+2T>C (NM_001348332.1); and 4 more.
Identifiers: ClinVar variation 424206 (VCV000424206.3), dbSNP rs1064796861, ClinGen allele CA16617492.